The following is an entry in ClinVar:

NM_003482.4(KMT2D):c.15328C>T (p.Pro5110Ser)

Gene: KMT2D (lysine methyltransferase 2D; minus strand). Cytogenetic location: 12q13.12.
Variant type: single nucleotide variant.
Coding change: c.15328C>T on transcript NM_003482.4 (MANE Select); coding-DNA position 15328, C replaced by T.
Protein change: p.Pro5110Ser; replaces proline 5110 with serine.
Molecular consequence: missense variant.
Genome position (GRCh38, 1-based): chr12:49,026,638, G>A on the plus strand (C>T on the coding strand, the complement: KMT2D is on the minus strand). VCF-style: chr12-49026638-G-A. GRCh37 (hg19) VCF-style: chr12-49420421-G-A.
Other names: short protein forms P5110S.
Identifiers: ClinVar variation 3708920 (VCV003708920.2).

ClinVar aggregate classification (germline): Uncertain significance (1 of 4 stars; one submission).

Conditions:
Kabuki syndrome. Also called: Kabuki make-up syndrome; NIIKAWA-KUROKI SYNDROME. Identifiers: Orphanet 2322, MedGen C0796004, MONDO:0016512.

gnomAD v4.1: 4 of 1,613,868 alleles (0.00025%); highest among the groups gnomAD compares: Admixed American, 0.0017%; no homozygotes.

Submission:

Labcorp Genetics (formerly Invitae), Labcorp
Classification: Uncertain significance for Kabuki syndrome. Last evaluated: 2024-03-25. Review status: criteria provided, single submitter. Criteria: Invitae Variant Classification Sherloc (09022015). Collection method: clinical testing. Allele origin: germline.
Comment: This sequence change replaces proline, which is neutral and non-polar, with serine, which is neutral and polar, at codon 5110 of the KMT2D protein (p.Pro5110Ser). This variant is not present in population databases (gnomAD no frequency). This variant has not been reported in the literature in individuals affected with KMT2D-related conditions. Advanced modeling of protein sequence and biophysical properties (such as structural, functional, and spatial information, amino acid conservation, physicochemical variation, residue mobility, and thermodynamic stability) performed at Invitae indicates that this missense variant is not expected to disrupt KMT2D protein function with a negative predictive value of 95%. In summary, the available evidence is currently insufficient to determine the role of this variant in disease. Therefore, it has been classified as a Variant of Uncertain Significance.